The following is an entry in ClinVar:

ClinVar aggregate classification (germline): Pathogenic/Likely pathogenic. Review status: criteria provided, multiple submitters, no conflicts (2 of 4 stars). 4 submissions from 4 submitters: Pathogenic (2); Likely pathogenic (2). Last evaluated 2026-01-20.

Conditions:
SYNE4-related disorder. Also called: SYNE4-related condition.
Autosomal recessive nonsyndromic hearing loss 76. Also called: Deafness, autosomal recessive 76. Identifiers: Orphanet 90636, MedGen C3147083, MONDO:0014237, OMIM 615540.

Submissions (4):

Labcorp Genetics (formerly Invitae), Labcorp
Classification: Pathogenic. Last evaluated: 2026-01-20. Review status: criteria provided, single submitter. Criteria: Invitae Variant Classification Sherloc (09022015). Collection method: clinical testing. Allele origin: germline.
Comment: This sequence change creates a premature translational stop signal (p.Ser41Argfs*63) in the SYNE4 gene. It is expected to result in an absent or disrupted protein product. Loss-of-function variants in SYNE4 are known to be pathogenic (PMID: 23348741, 28958982). This variant is present in population databases (rs758800042, gnomAD 0.002%). This variant has not been reported in the literature in individuals affected with SYNE4-related conditions. For these reasons, this variant has been classified as Pathogenic.

Blueprint Genetics
Classification: Likely pathogenic for SYNE4-related disorders. Last evaluated: 2024-08-07. Review status: criteria provided, single submitter. Criteria: ACMG Guidelines, 2015. Collection method: clinical testing. Allele origin: germline. Affected: yes. Observed: 5 variant alleles.

Fulgent Genetics
Classification: Likely pathogenic for Autosomal recessive nonsyndromic hearing loss 76. Last evaluated: 2024-05-05. Review status: criteria provided, single submitter. Criteria: ACMG Guidelines, 2015. Collection method: clinical testing. Allele origin: germline.

GeneDx
Classification: Pathogenic. Last evaluated: 2018-02-13. Review status: criteria provided, single submitter. Criteria: GeneDx Variant Classification (06012015). Collection method: clinical testing. Allele origin: germline. Affected: yes.
Comment: The c.121_122dupAG variant has not been published previously to our knowledge. It causes a frameshift starting with codon Serine 41, changes this amino acid to an Arginine residue and creates a premature Stop codon at position 63 of the new reading frame, denoted p.Ser41ArgfsX63. This pathogenic variant is predicted to cause loss of normal protein function either through protein truncation or nonsense-mediated mRNA decay. The variant is not observed at a significant frequency in large population cohorts (Lek et al., 2016). In summary, we consider this variant to be pathogenic.

Literature cited by the submitters: PubMed 23348741 (cited by Labcorp Genetics (formerly Invitae), Labcorp); PubMed 28958982 (cited by Labcorp Genetics (formerly Invitae), Labcorp).

NM_001039876.3(SYNE4):c.121_122dup (p.Ser41fs)

Gene: SYNE4 (spectrin repeat containing nuclear envelope family member 4; minus strand). Cytogenetic location: 19q13.12.
Variant type: Microsatellite.
Coding change: c.121_122dup on transcript NM_001039876.3 (MANE Select); coding-DNA positions 121 to 122, 2 bases duplicated (AG; older notation c.121_122dupAG).
Protein change: p.Ser41fs; shifts the reading frame from serine 41.
Molecular consequence: frameshift variant.
Genome position (GRCh38, 1-based): chr19:36,008,560-36,008,561, CT duplicated on the plus strand (AG on the coding strand, the reverse complement: SYNE4 is on the minus strand); duplicating any 2 consecutive bases within chr19:36,008,560-36,008,564 gives the same sequence; the c. name uses the placement nearest the transcript's 3' end. VCF-style (leftmost placement, unchanged base first): chr19-36008559-G-GCT. GRCh37 (hg19) VCF-style: chr19-36499461-G-GCT.
Other names: c.121_122dup, p.Ser41fs (NM_001297735.3); short protein forms S41fs.
Identifiers: ClinVar variation 504046 (VCV000504046.6), dbSNP rs758800042, ClinGen allele CA9394041.